The following is an entry in ClinVar:

ClinVar aggregate classification (germline): Uncertain significance (1 of 4 stars; one submission).

Conditions:
Cardiovascular phenotype. Identifiers: MedGen CN230736.

gnomAD v4.1: 4 of 1,612,738 alleles (0.00025%); highest among the groups gnomAD compares: Non-Finnish European, 0.00017%; no homozygotes.

Submission:

Ambry Genetics
Classification: Uncertain significance for Cardiovascular phenotype. Last evaluated: 2026-09-11. Review status: criteria provided, single submitter. Criteria: Ambry Variant Classification Scheme 2023. Collection method: clinical testing. Allele origin: germline.
Comment: The p.T1114I variant (also known as c.3341C>T), located in coding exon 22 of the APOB gene, results from a C to T substitution at nucleotide position 3341. The threonine at codon 1114 is replaced by isoleucine, an amino acid with similar properties. This amino acid position is conserved. In addition, this alteration is predicted to be tolerated by in silico analysis. Based on the available evidence, the clinical significance of this variant remains unclear.

NM_000384.3(APOB):c.3341C>T (p.Thr1114Ile)

Gene: APOB (apolipoprotein B; minus strand). Cytogenetic location: 2p24.1.
Variant type: single nucleotide variant.
Coding change: c.3341C>T on transcript NM_000384.3 (MANE Select); coding-DNA position 3341, C replaced by T.
Protein change: p.Thr1114Ile; replaces threonine 1114 with isoleucine.
Molecular consequence: missense variant.
Genome position (GRCh38, 1-based): chr2:21,015,537, G>A on the plus strand (C>T on the coding strand, the complement: APOB is on the minus strand). VCF-style: chr2-21015537-G-A. GRCh37 (hg19) VCF-style: chr2-21238409-G-A.
Other names: short protein forms T1114I.
Identifiers: ClinVar variation 3416994 (VCV003416994.2).
Genomic context (GRCh38, chr2:21,015,537, plus strand): 5'-CTGGCTTCTGCTTGCAAACGGGGTATGGAAATAACACCCTTGATTTTTCTTTCTTCCTTT[G>A]TGTCACAACTATGGTAAAGAAAATCAGTTGGCACCAATGATTTTGTCCTTTCAATGGAGA-3'
Protein context (NP_000375.3, residues 1104-1124): VALMGHLSCD[Thr1114Ile]KEERKIKGVI